The following is an entry in ClinVar:

ClinVar aggregate classification (germline): Uncertain significance (1 of 4 stars; one submission).

Allele frequency attached by ClinVar (database versions not stated): gnomAD exomes below 0.00001.
gnomAD v4.1: 3 of 1,613,756 alleles (0.00019%); highest among the groups gnomAD compares: Non-Finnish European, 0.00025%; no homozygotes.

Submission:

CeGaT Center for Human Genetics Tuebingen
Classification: Uncertain significance. Last evaluated: 2023-04-01. Review status: criteria provided, single submitter. Criteria: CeGaT Center For Human Genetics Tuebingen Variant Classification Criteria Version 2. Collection method: clinical testing. Allele origin: germline. Affected: yes. Observed: 1 variant allele.
Comment: KIDINS220: PM2

NM_020738.4(KIDINS220):c.1213G>A (p.Glu405Lys)

Gene: KIDINS220 (kinase D interacting substrate 220; minus strand). Cytogenetic location: 2p25.1.
Variant type: single nucleotide variant.
Coding change: c.1213G>A on transcript NM_020738.4 (MANE Select); coding-DNA position 1213, G replaced by A.
Protein change: p.Glu405Lys; replaces glutamic acid 405 with lysine.
Molecular consequence: missense variant. On other transcripts: non-coding transcript variant (2).
Genome position (GRCh38, 1-based): chr2:8,793,873, C>T on the plus strand (G>A on the coding strand, the complement: KIDINS220 is on the minus strand). VCF-style: chr2-8793873-C-T. GRCh37 (hg19) VCF-style: chr2-8934003-C-T.
Other names: c.1216G>A, p.Glu406Lys (NM_001348731.2, NM_001348734.2, NM_001348739.2 and 3 more transcripts); c.1213G>A, p.Glu405Lys (NM_001348732.2, NM_001348735.2, NM_001348738.2 and 3 more transcripts); c.1087G>A, p.Glu363Lys (NM_001348736.2); short protein forms E363K, E405K, E406K.
Identifiers: ClinVar variation 2650659 (VCV002650659.24), dbSNP rs2528075258, ClinGen allele CA345769441.
Genomic context (GRCh38, chr2:8,793,873, plus strand): 5'-CTCCAAATATTTGAGTTAAAATACTCTTCTGATGGCTACAGTCAATATTATAAGGAGTCT[C>T]GCCTGCTTTGTTGGGCCTATAAAGTAATCGCCCATCTTTGGGATTTCTTAAAAGCAGTTC-3'
Protein context (NP_065789.1, residues 395-415): RLLYRPNKAG[Glu405Lys]TPYNIDCSHQ